The following is an entry in ClinVar:

NM_032833.5(PPP1R15B):c.1574A>G (p.Gln525Arg)

Gene: PPP1R15B (protein phosphatase 1 regulatory subunit 15B; minus strand). Cytogenetic location: 1q32.1.
Variant type: single nucleotide variant.
Coding change: c.1574A>G on transcript NM_032833.5 (MANE Select); coding-DNA position 1574, A replaced by G.
Protein change: p.Gln525Arg; replaces glutamine 525 with arginine.
Molecular consequence: missense variant.
Genome position (GRCh38, 1-based): chr1:204,409,838, T>C on the plus strand (A>G on the coding strand, the complement: PPP1R15B is on the minus strand). VCF-style: chr1-204409838-T-C. GRCh37 (hg19) VCF-style: chr1-204378966-T-C.
Other names: short protein forms Q525R.
Identifiers: ClinVar variation 2829248 (VCV002829248.3), dbSNP rs1453923202, ClinGen allele CA344352092.

ClinVar aggregate classification (germline): Uncertain significance (1 of 4 stars; one submission).

Allele frequency attached by ClinVar (database versions not stated): gnomAD exomes 0.00001.
gnomAD v4.1: 12 of 1,614,150 alleles (0.00074%); highest among the groups gnomAD compares: South Asian, 0.0077%; no homozygotes.

Submission:

Labcorp Genetics (formerly Invitae), Labcorp
Classification: Uncertain significance. Last evaluated: 2023-01-16. Review status: criteria provided, single submitter. Criteria: Invitae Variant Classification Sherloc (09022015). Collection method: clinical testing. Allele origin: germline.
Comment: This variant has not been reported in the literature in individuals affected with PPP1R15B-related conditions. This variant is present in population databases (no rsID available, gnomAD 0.0009%). This sequence change replaces glutamine, which is neutral and polar, with arginine, which is basic and polar, at codon 525 of the PPP1R15B protein (p.Gln525Arg). In summary, the available evidence is currently insufficient to determine the role of this variant in disease. Therefore, it has been classified as a Variant of Uncertain Significance. Advanced modeling of protein sequence and biophysical properties (such as structural, functional, and spatial information, amino acid conservation, physicochemical variation, residue mobility, and thermodynamic stability) performed at Invitae indicates that this missense variant is not expected to disrupt PPP1R15B protein function.